The following is an entry in ClinVar:

ClinVar aggregate classification (germline): Uncertain significance (1 of 4 stars; one submission).

gnomAD v4.1: 12 of 1,614,070 alleles (0.00074%); highest among the groups gnomAD compares: Non-Finnish European, 0.001%; no homozygotes.

Submission:

Ambry Genetics
Classification: Uncertain significance. Last evaluated: 2024-12-10. Review status: criteria provided, single submitter. Criteria: Ambry Variant Classification Scheme 2023. Collection method: clinical testing. Allele origin: germline.
Comment: The p.C719S variant (also known as c.2156G>C), located in coding exon 12 of the ATRIP gene, results from a G to C substitution at nucleotide position 2156. The cysteine at codon 719 is replaced by serine, an amino acid with dissimilar properties. This amino acid position is conserved. In addition, the in silico prediction for this alteration is inconclusive. Based on the available evidence, the clinical significance of this variant remains unclear.

NM_130384.3(ATRIP):c.2156G>C (p.Cys719Ser)

Genes: ATRIP (ATR interacting protein; plus strand), ATRIP-TREX1 (ATRIP-TREX1 readthrough; plus strand). Cytogenetic location: 3p21.31.
Variant type: single nucleotide variant.
Coding change: c.2156G>C on transcript NM_130384.3 (MANE Select); coding-DNA position 2156, G replaced by C.
Protein change: p.Cys719Ser; replaces cysteine 719 with serine.
Molecular consequence: missense variant. On other transcripts: non-coding transcript variant (1).
Genome position (GRCh38, 1-based): chr3:48,464,931, G>C. VCF-style: chr3-48464931-G-C. GRCh37 (hg19) VCF-style: chr3-48506330-G-C.
Other names: c.1775G>C, p.Cys592Ser (NM_001271022.2); c.1877G>C, p.Cys626Ser (NM_001271023.2); c.2075G>C, p.Cys692Ser (NM_032166.4); short protein forms C626S, C692S, C592S, C719S.
Identifiers: ClinVar variation 3465301 (VCV003465301.1).
Genomic context (GRCh38, chr3:48,464,931, plus strand): 5'-TGACAGTGCGGAGGGCAGGGGGACCCCCAAGGACCGACCAGCAGAGGCGGACAGTGCGCT[G>C]TCTGCGGGACACGGTGCTGCTGCTGCACGGCCTATCGCAGAAGGACAAGCTCTTCATGAT-3'
Protein context (NP_569055.1, residues 709-729): RTDQQRRTVR[Cys719Ser]LRDTVLLLHG